The following is an entry in ClinVar:

NM_014629.4(ARHGEF10):c.451A>G (p.Ile151Val)

Gene: ARHGEF10 (Rho guanine nucleotide exchange factor 10; plus strand). Cytogenetic location: 8p23.3.
Variant type: single nucleotide variant.
Coding change: c.451A>G on transcript NM_014629.4 (MANE Select); coding-DNA position 451, A replaced by G.
Protein change: p.Ile151Val; replaces isoleucine 151 with valine.
Molecular consequence: missense variant.
Genome position (GRCh38, 1-based): chr8:1,860,154, A>G. VCF-style: chr8-1860154-A-G. GRCh37 (hg19) VCF-style: chr8-1808320-A-G.
Other names: c.451A>G, p.Ile151Val (NM_001308152.2, NM_001308153.3); short protein forms I151V, I175V.
Identifiers: ClinVar variation 2522137 (VCV002522137.3), dbSNP rs753508179, ClinGen allele CA4599763.

ClinVar aggregate classification (germline): Uncertain significance. Review status: criteria provided, multiple submitters, no conflicts (2 of 4 stars). 2 submissions from 2 submitters: Uncertain significance (2). Last evaluated 2025-12-17.

Allele frequency attached by ClinVar (database versions not stated): gnomAD 0.00005; ExAC 0.00006; TOPMed 0.00006.
gnomAD v4.1: 63 of 1,613,504 alleles (0.0039%); highest among the groups gnomAD compares: East Asian, 0.067%; 1 homozygote.

Submissions (2):

Labcorp Genetics (formerly Invitae), Labcorp
Classification: Uncertain significance. Last evaluated: 2025-12-17. Review status: criteria provided, single submitter. Criteria: Invitae Variant Classification Sherloc (09022015). Collection method: clinical testing. Allele origin: germline.
Comment: This sequence change replaces isoleucine, which is neutral and non-polar, with valine, which is neutral and non-polar, at codon 151 of the ARHGEF10 protein (p.Ile151Val). This variant is present in population databases (rs753508179, gnomAD 0.09%), and has an allele count higher than expected for a pathogenic variant. This variant has not been reported in the literature in individuals affected with ARHGEF10-related conditions. ClinVar contains an entry for this variant (Variation ID: 2522137). An algorithm developed to predict the effect of missense changes on protein structure and function outputs the following: PolyPhen-2: "Benign". The valine amino acid residue is found in multiple mammalian species, which suggests that this missense change does not adversely affect protein function. In summary, the available evidence is currently insufficient to determine the role of this variant in disease. Therefore, it has been classified as a Variant of Uncertain Significance.

Ambry Genetics
Classification: Uncertain significance. Last evaluated: 2023-05-17. Review status: criteria provided, single submitter. Criteria: Ambry Variant Classification Scheme 2023. Collection method: clinical testing. Allele origin: germline.